The following is an entry in ClinVar:

NM_001042545.2(LTBP4):c.1061C>T (p.Pro354Leu)

Gene: LTBP4 (latent transforming growth factor beta binding protein 4; plus strand). Cytogenetic location: 19q13.2.
Variant type: single nucleotide variant.
Coding change: c.1061C>T on transcript NM_001042545.2 (MANE Select); coding-DNA position 1061, C replaced by T.
Protein change: p.Pro354Leu; replaces proline 354 with leucine.
Molecular consequence: missense variant.
Genome position (GRCh38, 1-based): chr19:40,607,434, C>T. VCF-style: chr19-40607434-C-T. GRCh37 (hg19) VCF-style: chr19-41113340-C-T.
Other names: c.1262C>T, p.Pro421Leu (NM_001042544.1); c.1151C>T, p.Pro384Leu (NM_003573.2); short protein forms P421L, P354L, P384L.
Identifiers: ClinVar variation 1517158 (VCV001517158.6), dbSNP rs2146023819, ClinGen allele CA405935699.
Genomic context (GRCh38, chr19:40,607,434, plus strand): 5'-TGATCTCAGAGGCCAAAGGGCCCTGCTTCCGCGTGCTCCGCGACGGCGGCTGTTCGCTGC[C>T]CATTCTGCGGAACATCACTAAACAGATCTGCTGCTGCAGCCGCGTAGGCAAGGCCTGGGG-3'
Protein context (NP_001036010.1, residues 344-364): RVLRDGGCSL[Pro354Leu]ILRNITKQIC

ClinVar aggregate classification (germline): Uncertain significance (1 of 4 stars; one submission).

Submission:

Labcorp Genetics (formerly Invitae), Labcorp
Classification: Uncertain significance. Last evaluated: 2021-11-11. Review status: criteria provided, single submitter. Criteria: Invitae Variant Classification Sherloc (09022015). Collection method: clinical testing. Allele origin: germline.
Comment: In summary, the available evidence is currently insufficient to determine the role of this variant in disease. Therefore, it has been classified as a Variant of Uncertain Significance. Experimental studies and prediction algorithms are not available or were not evaluated, and the functional significance of this variant is currently unknown. This variant has not been reported in the literature in individuals affected with LTBP4-related conditions. This variant is not present in population databases (gnomAD no frequency). This sequence change replaces proline, which is neutral and non-polar, with leucine, which is neutral and non-polar, at codon 384 of the LTBP4 protein (p.Pro384Leu).